The following is an entry in ClinVar:

ClinVar aggregate classification (germline): Pathogenic (1 of 4 stars; one submission).

Conditions:
Ornithine carbamoyltransferase deficiency (OTCD). Also called: ORNITHINE TRANSCARBAMYLASE DEFICIENCY; ORNITHINE TRANSCARBAMYLASE DEFICIENCY, HYPERAMMONEMIA DUE TO; OTC DEFICIENCY; Ornithine Carbamoyltransferase Deficiency Disease. Identifiers: Orphanet 664, MedGen C0268542, MONDO:0010703, OMIM 311250.

Submission:

Labcorp Genetics (formerly Invitae), Labcorp
Classification: Pathogenic for Ornithine carbamoyltransferase deficiency. Last evaluated: 2023-03-23. Review status: criteria provided, single submitter. Criteria: Invitae Variant Classification Sherloc (09022015). Collection method: clinical testing. Allele origin: germline.
Comment: This sequence change replaces asparagine, which is neutral and polar, with serine, which is neutral and polar, at codon 198 of the OTC protein (p.Asn198Ser). For these reasons, this variant has been classified as Pathogenic. This variant disrupts the p.Asn198 amino acid residue in OTC. Other variant(s) that disrupt this residue have been observed in individuals with OTC-related conditions (PMID: 10070627, 16786505), which suggests that this may be a clinically significant amino acid residue. Advanced modeling of protein sequence and biophysical properties (such as structural, functional, and spatial information, amino acid conservation, physicochemical variation, residue mobility, and thermodynamic stability) performed at Invitae indicates that this missense variant is expected to disrupt OTC protein function. ClinVar contains an entry for this variant (Variation ID: 529422). This missense change has been observed in individual(s) with clinical features of ornithine transcarbamylase deficiency (Invitae). This variant is not present in population databases (gnomAD no frequency).

Literature cited by the submitters: PubMed 10070627; PubMed 16786505.

NM_000531.6(OTC):c.593A>G (p.Asn198Ser)

Gene: OTC (ornithine transcarbamylase; plus strand). Cytogenetic location: Xp11.4.
Variant type: single nucleotide variant.
Coding change: c.593A>G on transcript NM_000531.6 (MANE Select); coding-DNA position 593, A replaced by G.
Protein change: p.Asn198Ser; replaces asparagine 198 with serine.
Molecular consequence: missense variant.
Genome position (GRCh38, 1-based): chrX:38,403,670, A>G. VCF-style: chrX-38403670-A-G. GRCh37 (hg19) VCF-style: chrX-38262923-A-G.
Other names: short protein forms N198S.
Identifiers: ClinVar variation 529422 (VCV000529422.12), dbSNP rs72558403, ClinGen allele CA412725470.
Genomic context (GRCh38, chrX:38,403,670, plus strand): 5'-CCTTTTAGGAACACTATAGCTCTCTGAAAGGTCTTACCCTCAGCTGGATCGGGGATGGGA[A>G]CAATATCCTGCACTCCATCATGATGAGCGCAGCGAAATTCGGAATGCACCTTCAGGCAGC-3'
Protein context (NP_000522.3, residues 188-208): GLTLSWIGDG[Asn198Ser]NILHSIMMSA